The following is an entry in ClinVar:

NM_005529.7(HSPG2):c.5777C>T (p.Thr1926Met)

Gene: HSPG2 (heparan sulfate proteoglycan 2; minus strand). Cytogenetic location: 1p36.12.
Variant type: single nucleotide variant.
Coding change: c.5777C>T on transcript NM_005529.7 (MANE Select); coding-DNA position 5777, C replaced by T.
Protein change: p.Thr1926Met; replaces threonine 1926 with methionine.
Molecular consequence: missense variant.
Genome position (GRCh38, 1-based): chr1:21,855,600, G>A on the plus strand (C>T on the coding strand, the complement: HSPG2 is on the minus strand). VCF-style: chr1-21855600-G-A. GRCh37 (hg19) VCF-style: chr1-22182093-G-A.
Other names: c.5780C>T, p.Thr1927Met (NM_001291860.2); short protein forms T1926M, T1927M.
Identifiers: ClinVar variation 1309264 (VCV001309264.10), dbSNP rs138093110, ClinGen allele CA671789.
Genomic context (GRCh38, chr1:21,855,600, plus strand): 5'-GCCCTGGCCACCTGCTGCCCAGCGCTGCTGTGGGCTCGGCACAAGTACTGGGCCTGATCC[G>A]TGGGCTCGACAGCTGGCAGGCGCAGGATGCCGCCGTGGATTTGTGCCTTCGCAGGGAGCT-3'
Protein context (NP_005520.4, residues 1916-1936): GILRLPAVEP[Thr1926Met]DQAQYLCRAH

ClinVar aggregate classification (germline): Uncertain significance. Review status: criteria provided, multiple submitters, no conflicts (2 of 4 stars). 3 submissions from 3 submitters: Uncertain significance (3). Last evaluated 2024-11-05.

Conditions:
Inborn genetic diseases. Identifiers: MedGen C0950123, MeSH D030342.

Allele frequency attached by ClinVar (database versions not stated): TOPMed 0.00017; 1000 Genomes Project 0.00020; ExAC 0.00006; ESP Exome Variant Server 0.00015; 1000 Genomes Project 30x 0.00031; gnomAD exomes 0.00004; gnomAD 0.00016.
gnomAD v4.1: 66 of 1,584,726 alleles (0.0042%); highest among the groups gnomAD compares: African/African-American, 0.066%; no homozygotes.

Submissions (3):

Labcorp Genetics (formerly Invitae), Labcorp
Classification: Uncertain significance. Last evaluated: 2024-11-05. Review status: criteria provided, single submitter. Criteria: Invitae Variant Classification Sherloc (09022015). Collection method: clinical testing. Allele origin: germline.
Comment: This sequence change replaces threonine, which is neutral and polar, with methionine, which is neutral and non-polar, at codon 1926 of the HSPG2 protein (p.Thr1926Met). The frequency data for this variant in the population databases is considered unreliable, as metrics indicate poor data quality at this position in the gnomAD database. This variant has not been reported in the literature in individuals affected with HSPG2-related conditions. ClinVar contains an entry for this variant (Variation ID: 1309264). An algorithm developed to predict the effect of missense changes on protein structure and function (PolyPhen-2) suggests that this variant is likely to be disruptive. In summary, the available evidence is currently insufficient to determine the role of this variant in disease. Therefore, it has been classified as a Variant of Uncertain Significance.

GeneDx
Classification: Uncertain significance. Last evaluated: 2024-09-26. Review status: criteria provided, single submitter. Criteria: GeneDx Variant Classification Process June 2021. Collection method: clinical testing. Allele origin: germline. Affected: yes.
Comment: Has not been previously published as pathogenic or benign to our knowledge; In silico analysis indicates that this missense variant does not alter protein structure/function

Ambry Genetics
Classification: Uncertain significance for Inborn genetic diseases. Last evaluated: 2021-08-02. Review status: criteria provided, single submitter. Criteria: Ambry Variant Classification Scheme 2023. Collection method: clinical testing. Allele origin: germline.